The following is an entry in ClinVar:

ClinVar aggregate classification (germline): Uncertain significance (1 of 4 stars; one submission).

Conditions:
Perlman syndrome (PRLMNS). Identifiers: Orphanet 2849, MedGen C0796113, MONDO:0009965, OMIM 267000.

Submission:

Labcorp Genetics (formerly Invitae), Labcorp
Classification: Uncertain significance for Perlman syndrome. Last evaluated: 2022-08-13. Review status: criteria provided, single submitter. Criteria: Invitae Variant Classification Sherloc (09022015). Collection method: clinical testing. Allele origin: germline.
Comment: In summary, the available evidence is currently insufficient to determine the role of this variant in disease. Therefore, it has been classified as a Variant of Uncertain Significance. Algorithms developed to predict the effect of missense changes on protein structure and function are either unavailable or do not agree on the potential impact of this missense change (SIFT: "Tolerated"; PolyPhen-2: "Probably Damaging"; Align-GVGD: "Class C0"). This variant has not been reported in the literature in individuals affected with DIS3L2-related conditions. This variant is not present in population databases (gnomAD no frequency). This sequence change replaces arginine, which is basic and polar, with glycine, which is neutral and non-polar, at codon 794 of the DIS3L2 protein (p.Arg794Gly).

NM_152383.5(DIS3L2):c.2380C>G (p.Arg794Gly)

Gene: DIS3L2 (DIS3 like 3'-5' exoribonuclease 2; plus strand). Cytogenetic location: 2q37.1.
Variant type: single nucleotide variant.
Coding change: c.2380C>G on transcript NM_152383.5 (MANE Select); coding-DNA position 2380, C replaced by G.
Protein change: p.Arg794Gly; replaces arginine 794 with glycine.
Molecular consequence: missense variant. On other transcripts: non-coding transcript variant (2), intron variant (1).
Genome position (GRCh38, 1-based): chr2:232,334,721, C>G. VCF-style: chr2-232334721-C-G. GRCh37 (hg19) VCF-style: chr2-233199431-C-G.
Other names: c.1582-8624C>G (NM_001257281.2); short protein forms R794G.
Identifiers: ClinVar variation 1716315 (VCV001716315.5), dbSNP rs774732040, ClinGen allele CA350978091.
Genomic context (GRCh38, chr2:232,334,721, plus strand): 5'-GTGATGGGCATCCTGAAGCAAGCCTTCGACGTGCTGGTGCTGCGCTACGGCGTGCAGAAG[C>G]GCATCTACTGCAACGTGAGTGCCCTGGGAGAGCCCGGGGGCGGGCAGGGCAGCCCAAGCC-3'
Protein context (NP_689596.4, residues 784-804): VLVLRYGVQK[Arg794Gly]IYCNALALRS